The following is an entry in ClinVar:

NM_000094.4(COL7A1):c.2171-2A>G

Gene: COL7A1 (collagen type VII alpha 1 chain; minus strand). Cytogenetic location: 3p21.31.
Variant type: single nucleotide variant.
Coding change: c.2171-2A>G on transcript NM_000094.4 (MANE Select); the canonical splice acceptor site of the intron before coding-DNA position 2171, A replaced by G.
Molecular consequence: splice acceptor variant.
Genome position (GRCh38, 1-based): chr3:48,589,472, T>C on the plus strand (A>G on the coding strand, the complement: COL7A1 is on the minus strand). VCF-style: chr3-48589472-T-C. GRCh37 (hg19) VCF-style: chr3-48626905-T-C.
Identifiers: ClinVar variation 1324147 (VCV001324147.25), dbSNP rs1158674229, ClinGen allele CA352725032.

ClinVar aggregate classification (germline): Likely pathogenic. Review status: criteria provided, multiple submitters, no conflicts (2 of 4 stars). 3 submissions from 3 submitters: Likely pathogenic (3). Last evaluated 2022-06-17.

Conditions:
Recessive dystrophic epidermolysis bullosa (RDEB). Also called: DYSTROPHIC EPIDERMOLYSIS BULLOSA, AUTOSOMAL RECESSIVE; EPIDERMOLYSIS BULLOSA DYSTROPHICA, HALLOPEAU-SIEMENS TYPE; EPIDERMOLYSIS BULLOSA DYSTROPHICA, GENERALIZED SEVERE, AUTOSOMAL RECESSIVE; Hallopeau-Siemens Disease; Epidermolysis Bullosa Distrophica Autosomal Recessive (RDEB); epidermolysis bullosa dystrophica, autosomal recessive. Identifiers: Orphanet 79408, Orphanet 79409, MedGen C0079474, MONDO:0009179, OMIM 226600.

Allele frequency attached by ClinVar (database versions not stated): gnomAD exomes below 0.00001.
gnomAD v4.1: 4 of 1,613,586 alleles (0.00025%); highest among the groups gnomAD compares: South Asian, 0.0044%; no homozygotes.

Submissions (3):

Labcorp Genetics (formerly Invitae), Labcorp
Classification: Likely pathogenic. Last evaluated: 2022-06-17. Review status: criteria provided, single submitter. Criteria: Invitae Variant Classification Sherloc (09022015). Collection method: clinical testing. Allele origin: germline.
Comment: Algorithms developed to predict the effect of sequence changes on RNA splicing suggest that this variant may disrupt the consensus splice site. In summary, the currently available evidence indicates that the variant is pathogenic, but additional data are needed to prove that conclusively. Therefore, this variant has been classified as Likely Pathogenic. ClinVar contains an entry for this variant (Variation ID: 1324147). This variant has not been reported in the literature in individuals affected with COL7A1-related conditions. This variant is present in population databases (no rsID available, gnomAD 0.003%). This sequence change affects an acceptor splice site in intron 16 of the COL7A1 gene. It is expected to disrupt RNA splicing. Variants that disrupt the donor or acceptor splice site typically lead to a loss of protein function (PMID: 16199547), and loss-of-function variants in COL7A1 are known to be pathogenic (PMID: 16971478).

Revvity Omics, Revvity
Classification: Likely pathogenic. Last evaluated: 2021-01-10. Review status: criteria provided, single submitter. Criteria: ACMG Guidelines, 2015. Collection method: clinical testing. Allele origin: germline.

Arcensus
Classification: Likely pathogenic for Recessive dystrophic epidermolysis bullosa. Last evaluated: 2013-02-01. Review status: criteria provided, single submitter. Criteria: ACMG Guidelines, 2015. Collection method: clinical testing. Allele origin: germline. Affected: yes.

Literature cited by the submitters: PubMed 16199547 (cited by Labcorp Genetics (formerly Invitae), Labcorp); PubMed 16971478 (cited by Labcorp Genetics (formerly Invitae), Labcorp).